The following is an entry in ClinVar:

NM_001170629.2(CHD8):c.1244G>T (p.Gly415Val)

Gene: CHD8 (chromodomain helicase DNA binding protein 8; minus strand). Cytogenetic location: 14q11.2.
Variant type: single nucleotide variant.
Coding change: c.1244G>T on transcript NM_001170629.2 (MANE Select); coding-DNA position 1244, G replaced by T.
Protein change: p.Gly415Val; replaces glycine 415 with valine.
Molecular consequence: missense variant.
Genome position (GRCh38, 1-based): chr14:21,428,226, C>A on the plus strand (G>T on the coding strand, the complement: CHD8 is on the minus strand). VCF-style: chr14-21428226-C-A. GRCh37 (hg19) VCF-style: chr14-21896385-C-A.
Other names: c.407G>T, p.Gly136Val (NM_020920.4); short protein forms G136V, G415V.
Identifiers: ClinVar variation 3900542 (VCV003900542.1).
Genomic context (GRCh38, chr14:21,428,226, plus strand): 5'-CTTGCTGGTGATGACAAAGCTGCCACTTCACTGGCACTCAGAACTTTAACTACAGAGAGC[C>A]CAGAAGAGGCCCCTTGGGAAGAGCCAGCCTATAGAAACAAAGATACTACAATTTCAACTT-3'
Protein context (NP_001164100.1, residues 405-425): QAGSSQGASS[Gly415Val]LSVVKVLSAS

ClinVar aggregate classification (germline): Uncertain significance (1 of 4 stars; one submission).

Submission:

GeneDx
Classification: Uncertain significance. Last evaluated: 2024-11-20. Review status: criteria provided, single submitter. Criteria: GeneDx Variant Classification Process June 2021. Collection method: clinical testing. Allele origin: germline. Affected: yes.
Comment: Not observed at significant frequency in large population cohorts (gnomAD); In silico analysis supports a deleterious effect on splicing; In silico analysis indicates that this missense variant does not alter protein structure/function; Has not been previously published as pathogenic or benign to our knowledge